The following is an entry in ClinVar:

NM_177438.3(DICER1):c.4104C>A (p.Arg1368=)

Gene: DICER1 (dicer 1, ribonuclease III; minus strand). Cytogenetic location: 14q32.13.
Variant type: single nucleotide variant.
Coding change: c.4104C>A on transcript NM_177438.3 (MANE Select); coding-DNA position 4104, C replaced by A.
Protein change: p.Arg1368=; no amino-acid change (arginine 1368 retained).
Molecular consequence: synonymous variant.
Genome position (GRCh38, 1-based): chr14:95,099,882, G>T on the plus strand (C>A on the coding strand, the complement: DICER1 is on the minus strand). VCF-style: chr14-95099882-G-T. GRCh37 (hg19) VCF-style: chr14-95566219-G-T.
Other names: c.4104C>A, p.Arg1368= (NM_001195573.1, NM_001271282.3, NM_001291628.2 and 1 more transcripts).
Identifiers: ClinVar variation 479621 (VCV000479621.20), dbSNP rs779443466, ClinGen allele CA7330939.

ClinVar aggregate classification (germline): Conflicting classifications of pathogenicity. Review status: criteria provided, conflicting classifications (1 of 4 stars). 6 submissions from 6 submitters: Uncertain significance (1); Benign (1); Likely benign (4). Last evaluated 2026-04-17.

Conditions:
DICER1-related disorder. Also called: DICER1-related condition.
Hereditary cancer-predisposing syndrome. Also called: Neoplastic Syndromes, Hereditary; Hereditary Cancer Syndrome; Tumor predisposition; Hereditary neoplastic syndrome. Identifiers: Orphanet 140162, MedGen C0027672, MeSH D009386, MONDO:0015356.
DICER1-related tumor predisposition. Also called: DICER1 syndrome; DICER1-related pleuropulmonary blastoma cancer predisposition syndrome. Identifiers: Orphanet 284343, MedGen C3839822, MONDO:0100216.

Allele frequency attached by ClinVar (database versions not stated): gnomAD 0.00001; TOPMed 0.00001; gnomAD exomes below 0.00001; ExAC 0.00001.
gnomAD v4.1: 22 of 1,613,872 alleles (0.0014%); highest among the groups gnomAD compares: Non-Finnish European, 0.0019%; no homozygotes.

Submissions (6):

Myriad Genetics, Inc.
Classification: Benign for DICER1-related tumor predisposition. Last evaluated: 2026-04-17. Review status: criteria provided, single submitter. Criteria: Myriad Autosomal Dominant, Autosomal Recessive and X-Linked Classification Criteria (2023). Collection method: clinical testing. Allele origin: unknown.
Comment: This variant is considered benign. This variant is a silent/synonymous amino acid change and it is not expected to impact splicing.

Labcorp Genetics (formerly Invitae), Labcorp
Classification: Likely benign for DICER1-related tumor predisposition. Last evaluated: 2025-09-15. Review status: criteria provided, single submitter. Criteria: Invitae Variant Classification Sherloc (09022015). Collection method: clinical testing. Allele origin: germline.

PreventionGenetics, part of Exact Sciences
Classification: Likely benign for DICER1-related condition. Last evaluated: 2025-08-09. Review status: criteria provided, single submitter. Criteria: ACMG Guidelines, 2015. Collection method: clinical testing. Allele origin: germline.
Comment: This variant is classified as likely benign based on ACMG/AMP sequence variant interpretation guidelines (Richards et al. 2015 PMID: 25741868, with internal and published modifications).

Hereditary Cancer Group, L’Institut d'Investigació Biomèdica de Bellvitge
Classification: Uncertain significance for Hereditary cancer-predisposing syndrome. Last evaluated: 2024-12-19. Review status: criteria provided, single submitter. Criteria: Hatton et al. (Hum Mutat. 2023). Collection method: clinical testing. Allele origin: germline. Inheritance: Autosomal dominant inheritance. Affected: yes.
Comment: BP4

Sema4
Classification: Likely benign for Hereditary cancer-predisposing syndrome. Last evaluated: 2021-11-03. Review status: criteria provided, single submitter. Criteria: Sema4 Curation Guidelines. Collection method: curation. Allele origin: germline.

Ambry Genetics
Classification: Likely benign for Hereditary cancer-predisposing syndrome. Last evaluated: 2017-04-05. Review status: criteria provided, single submitter. Criteria: Ambry Variant Classification Scheme 2023. Collection method: clinical testing. Allele origin: germline.